The following is an entry in ClinVar:

NM_001199267.2(DGKZ):c.2518C>T (p.Arg840Cys)

Gene: DGKZ (diacylglycerol kinase zeta; plus strand). Cytogenetic location: 11p11.2.
Variant type: single nucleotide variant.
Coding change: c.2518C>T on transcript NM_001199267.2 (MANE Select); coding-DNA position 2518, C replaced by T.
Protein change: p.Arg840Cys; replaces arginine 840 with cysteine.
Molecular consequence: missense variant.
Genome position (GRCh38, 1-based): chr11:46,379,093, C>T. VCF-style: chr11-46379093-C-T. GRCh37 (hg19) VCF-style: chr11-46400643-C-T.
Other names: c.3085C>T, p.Arg1029Cys (NM_001105540.2); c.2521C>T, p.Arg841Cys (NM_001199266.2, NM_003646.4); c.2452C>T, p.Arg818Cys (NM_001199268.2); c.2569C>T, p.Arg857Cys (NM_201532.3); c.2533C>T, p.Arg845Cys (NM_201533.3); c.3085C>T (NM_001105540.1); short protein forms R818C, R1029C, R841C, R857C, R840C, R845C.
Identifiers: ClinVar variation 1357035 (VCV001357035.7), dbSNP rs372859164, ClinGen allele CA5963300.
Genomic context (GRCh38, chr11:46,379,093, plus strand): 5'-GACGAGCAGAGTCGCACGCTCCTGCACCACGCAGTCAGCACTGGCAGCAAGGATGTGGTC[C>T]GCTACCTGCTGGACCACGGTGAGCCGGGCAGTGGAGCCCAGGGCCTGGGGCCAAGGTGGG-3'
Protein context (NP_001186196.1, residues 830-850): AVSTGSKDVV[Arg840Cys]YLLDHAPPEI

ClinVar aggregate classification (germline): Uncertain significance. Review status: criteria provided, multiple submitters, no conflicts (2 of 4 stars). 2 submissions from 2 submitters: Uncertain significance (2). Last evaluated 2025-09-02.

Allele frequency attached by ClinVar (database versions not stated): gnomAD exomes 0.00003 and 0.00011; ExAC 0.00006; gnomAD 0.00006; TOPMed 0.00007; ESP Exome Variant Server 0.00015.
gnomAD v4.1: 169 of 1,605,426 alleles (0.011%); highest among the groups gnomAD compares: Non-Finnish European, 0.013%; no homozygotes.

Submissions (2):

Labcorp Genetics (formerly Invitae), Labcorp
Classification: Uncertain significance. Last evaluated: 2025-09-02. Review status: criteria provided, single submitter. Criteria: Invitae Variant Classification Sherloc (09022015). Collection method: clinical testing. Allele origin: germline.
Comment: This sequence change replaces arginine, which is basic and polar, with cysteine, which is neutral and slightly polar, at codon 1029 of the DGKZ protein (p.Arg1029Cys). This variant is present in population databases (rs372859164, gnomAD 0.01%). This variant has not been reported in the literature in individuals affected with DGKZ-related conditions. ClinVar contains an entry for this variant (Variation ID: 1357035). An algorithm developed to predict the effect of missense changes on protein structure and function (PolyPhen-2) suggests that this variant is likely to be tolerated. In summary, the available evidence is currently insufficient to determine the role of this variant in disease. Therefore, it has been classified as a Variant of Uncertain Significance.

Ambry Genetics
Classification: Uncertain significance. Last evaluated: 2024-11-07. Review status: criteria provided, single submitter. Criteria: Ambry Variant Classification Scheme 2023. Collection method: clinical testing. Allele origin: germline.